The following is an entry in ClinVar:

NM_017777.4(MKS1):c.-1C>G

Genes: MKS1 (MKS transition zone complex subunit 1; minus strand), LOC130061271 (ATAC-STARR-seq lymphoblastoid active region 12461; plus strand). Cytogenetic location: 17q22.
Variant type: single nucleotide variant.
Coding change: c.-1C>G on transcript NM_017777.4 (MANE Select); 1 bases upstream of the start codon, C replaced by G.
Molecular consequence: 5 prime UTR variant.
Genome position (GRCh38, 1-based): chr17:58,219,231, G>C on the plus strand (C>G on the coding strand, the complement: MKS1 is on the minus strand). VCF-style: chr17-58219231-G-C. GRCh37 (hg19) VCF-style: chr17-56296592-G-C.
Other names: c.-512C>G (NM_001321268.2); c.-1C>G (NM_001321269.2, NM_001330397.2, NM_001411113.1).
Identifiers: ClinVar variation 4996939 (VCV004996939.1).

ClinVar aggregate classification (germline): Likely benign (1 of 4 stars; one submission).

Conditions:
MKS1-related disorder. Also called: MKS1-related disorders; MKS1-related condition. Identifiers: MedGen CN239382.

gnomAD v4.1: 8 of 1,550,592 alleles (0.00052%); highest among the groups gnomAD compares: Middle Eastern, 0.017%; no homozygotes.

Submission:

PreventionGenetics, part of Exact Sciences
Classification: Likely benign for MKS1-related condition. Last evaluated: 2025-04-09. Review status: criteria provided, single submitter. Criteria: ACMG Guidelines, 2015. Collection method: clinical testing. Allele origin: germline.
Comment: This variant is classified as likely benign based on ACMG/AMP sequence variant interpretation guidelines (Richards et al. 2015 PMID: 25741868, with internal and published modifications).